The following is an entry in ClinVar:

ClinVar aggregate classification (germline): Uncertain significance. Review status: criteria provided, multiple submitters, no conflicts (2 of 4 stars). 2 submissions from 2 submitters: Uncertain significance (2). Last evaluated 2026-03-30.

Conditions:
Cardiovascular phenotype. Identifiers: MedGen CN230736.
Legius syndrome. Identifiers: Orphanet 137605, MedGen C1969623, MONDO:0012669, OMIM 611431. Disease mechanism: loss of function.

Submissions (2):

Ambry Genetics
Classification: Uncertain significance for Cardiovascular phenotype. Last evaluated: 2026-03-30. Review status: criteria provided, single submitter. Criteria: Ambry Variant Classification Scheme 2023. Collection method: clinical testing. Allele origin: germline.
Comment: The p.P230R variant (also known as c.689C>G), located in coding exon 7 of the SPRED1 gene, results from a C to G substitution at nucleotide position 689. The proline at codon 230 is replaced by arginine, an amino acid with dissimilar properties. This amino acid position is conserved. In addition, the in silico prediction for this alteration is inconclusive. Based on the available evidence, the clinical significance of this variant remains unclear.

Labcorp Genetics (formerly Invitae), Labcorp
Classification: Uncertain significance for Legius syndrome. Last evaluated: 2021-04-03. Review status: criteria provided, single submitter. Criteria: Invitae Variant Classification Sherloc (09022015). Collection method: clinical testing. Allele origin: germline.
Comment: In summary, the available evidence is currently insufficient to determine the role of this variant in disease. Therefore, it has been classified as a Variant of Uncertain Significance. Algorithms developed to predict the effect of missense changes on protein structure and function are either unavailable or do not agree on the potential impact of this missense change (SIFT: "Deleterious"; PolyPhen-2: "Possibly Damaging"; Align-GVGD: "Class C15"). This variant has not been reported in the literature in individuals with SPRED1-related conditions. This variant is not present in population databases (ExAC no frequency). This sequence change replaces proline with arginine at codon 230 of the SPRED1 protein (p.Pro230Arg). The proline residue is highly conserved and there is a moderate physicochemical difference between proline and arginine.

NM_152594.3(SPRED1):c.689C>G (p.Pro230Arg)

Gene: SPRED1 (sprouty related EVH1 domain containing 1; plus strand). Cytogenetic location: 15q14.
Variant type: single nucleotide variant.
Coding change: c.689C>G on transcript NM_152594.3 (MANE Select); coding-DNA position 689, C replaced by G.
Protein change: p.Pro230Arg; replaces proline 230 with arginine.
Molecular consequence: missense variant.
Genome position (GRCh38, 1-based): chr15:38,351,018, C>G. VCF-style: chr15-38351018-C-G. GRCh37 (hg19) VCF-style: chr15-38643219-C-G.
Other names: c.689C>G (NM_152594.2); short protein forms P230R.
Identifiers: ClinVar variation 1384582 (VCV001384582.9), dbSNP rs2141016004, ClinGen allele CA391933016.